The following is an entry in ClinVar:

ClinVar aggregate classification (germline): Uncertain significance (1 of 4 stars; one submission).

Submission:

Labcorp Genetics (formerly Invitae), Labcorp
Classification: Uncertain significance. Last evaluated: 2023-09-04. Review status: criteria provided, single submitter. Criteria: Invitae Variant Classification Sherloc (09022015). Collection method: clinical testing. Allele origin: unknown.
Comment: Experimental studies and prediction algorithms are not available or were not evaluated, and the functional significance of this variant is currently unknown. In summary, the available evidence is currently insufficient to determine the role of this variant in disease. Therefore, it has been classified as a Variant of Uncertain Significance. This variant has not been reported in the literature in individuals affected with FBN3-related conditions. This variant results in a copy number gain of the genomic region encompassing exon(s) 49-53 of the FBN3 gene. While the exact position of this variant cannot be determined from the data, sub-genic copy number gains are generally in tandem (PMID: 25640679). This variant is predicted to be in-frame, and likely preserves the integrity of the reading frame.

Literature cited by the submitters: PubMed 25640679.

NC_000019.9:g.(?_8152689)_(8155155_?)dup

Gene: FBN3 (fibrillin 3; minus strand). Cytogenetic location: 19p13.2.
Variant type: Duplication.
Identifiers: ClinVar variation 3242719 (VCV003242719.1).